The following is an entry in ClinVar:

NM_001130987.2(DYSF):c.4046G>T (p.Arg1349Leu)

Gene: DYSF (dysferlin; plus strand). Cytogenetic location: 2p13.2.
Variant type: single nucleotide variant.
Coding change: c.4046G>T on transcript NM_001130987.2 (MANE Select); coding-DNA position 4046, G replaced by T.
Protein change: p.Arg1349Leu; replaces arginine 1349 with leucine.
Molecular consequence: missense variant.
Genome position (GRCh38, 1-based): chr2:71,611,333, G>T. VCF-style: chr2-71611333-G-T. GRCh37 (hg19) VCF-style: chr2-71838463-G-T.
Other names: NM_001130987.2(DYSF):c.4046G>T; p.Arg1349Leu; c.3995G>T, p.Arg1332Leu (NM_001130455.2, NM_001130983.2); c.3950G>T, p.Arg1317Leu (NM_001130976.2, NM_001130977.2); c.3992G>T, p.Arg1331Leu (NM_001130978.2, NM_003494.4); c.4085G>T, p.Arg1362Leu (NM_001130979.2); c.4043G>T, p.Arg1348Leu (NM_001130980.2, NM_001130981.2); c.4088G>T, p.Arg1363Leu (NM_001130982.2); and 2 more; short protein forms R1331L, R1349L, R1318L, R1363L, R1362L, R1317L, R1332L, R1348L.
Identifiers: ClinVar variation 94315 (VCV000094315.55), dbSNP rs61742872, ClinGen allele CA147753.
Genomic context (GRCh38, chr2:71,611,333, plus strand): 5'-CACCCCAGAGGGAGGCCAACATCTACATGGTTCCTCAGAACATCAAGCCAGCGCTCCAGC[G>T]TACCGCCATCGAGGTGAGCCGTCCGGGCCTGGGCGTGGGGGCTGGGAGCAGCCTGCCCTT-3'
Protein context (NP_001124459.1, residues 1339-1359): VPQNIKPALQ[Arg1349Leu]TAIEILAWGL

ClinVar aggregate classification (germline): Benign. Review status: reviewed by expert panel (3 of 4 stars). 17 submissions from 17 submitters: Benign (1). 16 of the submissions do not count toward it. Last evaluated 2025-01-08.

Conditions:
Autosomal recessive limb-girdle muscular dystrophy. Identifiers: Orphanet 102015, MedGen C2931907, MONDO:0015152.
Neuromuscular disease caused by qualitative or quantitative defects of dysferlin. Also called: Qualitative or quantitative defects of dysferlin; Dysferlinopathy. Identifiers: Orphanet 207073, MedGen C2931687, MONDO:0016145.
Autosomal recessive limb-girdle muscular dystrophy type 2B (LGMDR2). Also called: MUSCULAR DYSTROPHY, LIMB-GIRDLE, TYPE 3; Limb-Girdle Muscular Dystrophy Type 2B (LGMD2B); MUSCULAR DYSTROPHY, LIMB-GIRDLE, AUTOSOMAL RECESSIVE 2; Limb-girdle muscular dystrophy, type 2B. Identifiers: Orphanet 268, MedGen C1850889, MONDO:0009676, OMIM 253601.

Allele frequency attached by ClinVar (database versions not stated): 1000 Genomes Project 30x 0.01593; ESP Exome Variant Server 0.02453; TOPMed 0.02129; 1000 Genomes Project 0.01637.
gnomAD v4.1: 37,162 of 1,613,708 alleles (2.3%); highest among the groups gnomAD compares: Non-Finnish European, 2.6%; 493 homozygotes.

Submissions (17):

ClinGen Limb Girdle Muscular Dystrophy Variant Curation Expert Panel, ClinGen
Classification: Benign for Autosomal recessive limb-girdle muscular dystrophy. Last evaluated: 2025-01-08. Review status: reviewed by expert panel. Criteria: ClinGen LGMD VCEP ACMG Specifications DYSF V1.0.0. Collection method: curation. Allele origin: germline. Inheritance: Autosomal recessive inheritance.
Comment: The NM_003494.4: c.3992G>T variant in DYSF, which is also known as NM_001130987.2: c.4046G>T p.(Arg1349Leu), is a missense variant predicted to cause substitution of arginine by leucine at amino acid 1331 (p.Arg1331Leu). The filtering allele frequency of the variant is 0.03441 for European (non-Finnish) genome chromosomes in gnomAD v2.1.1 (the lower threshold of the 95% CI of 943/31374), which is higher than the VCEP threshold of 0.003 (BA1). This variant has also been observed in cis with the variant c.5836_5839del p.(Gln1946TrpfsTer19), which is classified as pathogenic by the ClinGen LGMD VCEP (PMID: 19528035) (BP2). The SpliceAI score for this variant is 0, suggesting it does not impact splicing. However, the computational predictor REVEL gives a score of 0.39, which is above the LGMD VCEP threshold predicting a benign impact on DYSF function (≤0.1; BP4 not met). In summary, this variant meets the criteria to be classified as Benign for autosomal recessive limb girdle muscular dystrophy based on the ACMG/AMP criteria applied, as specified by the ClinGen LGMD VCEP (LGMD VCEP specifications version 1.0.0; 01/08/2025): BA1, BP2.

CeGaT Center for Human Genetics Tuebingen
Classification: Benign. Last evaluated: 2026-09-01. Review status: criteria provided, single submitter. Criteria: CeGaT Center For Human Genetics Tuebingen Variant Classification Criteria Version 2. Collection method: clinical testing. Allele origin: germline. Affected: yes. Observed: 61 variant alleles. Not counted in ClinVar's aggregate classification.
Comment: DYSF: BS1, BS2

Labcorp Genetics (formerly Invitae), Labcorp
Classification: Benign for Neuromuscular disease caused by qualitative or quantitative defects of dysferlin. Last evaluated: 2026-02-04. Review status: criteria provided, single submitter. Criteria: Invitae Variant Classification Sherloc (09022015). Collection method: clinical testing. Allele origin: germline. Not counted in ClinVar's aggregate classification.

Athena Diagnostics
Classification: Benign. Last evaluated: 2025-02-11. Review status: criteria provided, single submitter. Criteria: Athena Diagnostics Criteria. Collection method: clinical testing. Allele origin: unknown. Not counted in ClinVar's aggregate classification.
Comment: The frequency of this variant in the general population is higher than would generally be expected for pathogenic variants in this gene.

Blueprint Genetics
Classification: Likely benign. Last evaluated: 2024-11-26. Review status: criteria provided, single submitter. Criteria: ACMG Guidelines, 2015. Collection method: clinical testing. Allele origin: germline. Not counted in ClinVar's aggregate classification.

Women's Health and Genetics/Laboratory Corporation of America, LabCorp
Classification: Likely benign. Last evaluated: 2021-12-10. Review status: criteria provided, single submitter. Criteria: LabCorp Variant Classification Summary - May 2015. Collection method: clinical testing. Allele origin: germline. Not counted in ClinVar's aggregate classification.

Mayo Clinic Laboratories, Mayo Clinic
Classification: Benign. Last evaluated: 2018-01-04. Review status: criteria provided, single submitter. Criteria: ACMG Guidelines, 2015. Collection method: clinical testing. Allele origin: germline. Observed: 46 variant alleles. Not counted in ClinVar's aggregate classification.

Illumina Laboratory Services, Illumina
Classification: Likely benign for Qualitative or quantitative defects of dysferlin. Last evaluated: 2017-04-27. Review status: criteria provided, single submitter. Criteria: ICSL Variant Classification Criteria 13 December 2019. Collection method: clinical testing. Allele origin: germline. Not counted in ClinVar's aggregate classification.
Comment: This variant was observed as part of a predisposition screen in an ostensibly healthy population. A literature search was performed for the gene, cDNA change, and amino acid change (where applicable). No publications were found based on this search. Allele frequency data from public databases allowed determination this variant is unlikely to cause disease. Therefore, this variant is classified as likely benign.

GeneDx
Classification: Benign. Last evaluated: 2016-02-08. Review status: criteria provided, single submitter. Criteria: GeneDx Variant Classification (06012015). Collection method: clinical testing. Allele origin: germline. Affected: yes. Not counted in ClinVar's aggregate classification.
Comment: This variant is considered likely benign or benign based on one or more of the following criteria: it is a conservative change, it occurs at a poorly conserved position in the protein, it is predicted to be benign by multiple in silico algorithms, and/or has population frequency not consistent with disease.

Eurofins Ntd Llc (ga)
Classification: Benign. Last evaluated: 2014-07-02. Review status: criteria provided, single submitter. Criteria: EGL Classification Definitions 2015. Collection method: clinical testing. Allele origin: germline. Observed: 10 variant alleles, 9 heterozygotes, 1 homozygote. Not counted in ClinVar's aggregate classification.

Breakthrough Genomics
Classification: Likely benign. Review status: criteria provided, single submitter. Criteria: ACMG Guidelines, 2015. Collection method: not provided. Allele origin: germline. Inheritance: Autosomal recessive inheritance. Affected: yes. Not counted in ClinVar's aggregate classification.

PreventionGenetics, part of Exact Sciences
Classification: Benign. Review status: criteria provided, single submitter. Criteria: ACMG Guidelines, 2015. Collection method: clinical testing. Allele origin: germline. Not counted in ClinVar's aggregate classification.

Natera, Inc.
Classification: Benign for Limb-girdle muscular dystrophy type 2B. Last evaluated: 2020-09-16. Review status: no assertion criteria provided. Collection method: clinical testing. Allele origin: germline. Not counted in ClinVar's aggregate classification.

Clinical Genetics, Academic Medical Center
Classification: Benign. Review status: no assertion criteria provided. Collection method: clinical testing. Allele origin: germline. Affected: yes. Study: VKGL Data-share Consensus. Not counted in ClinVar's aggregate classification.

Genetic Services Laboratory, University of Chicago
Classification: Likely benign for AllHighlyPenetrant. Review status: no assertion criteria provided. Collection method: clinical testing. Allele origin: germline. Inheritance: Autosomal recessive inheritance. Not counted in ClinVar's aggregate classification.
Comment: Likely benign based on allele frequency in 1000 Genomes Project or ESP global frequency and its presence in a patient with a rare or unrelated disease phenotype. NOT Sanger confirmed.

Genome Diagnostics Laboratory, University Medical Center Utrecht
Classification: Benign. Review status: no assertion criteria provided. Collection method: clinical testing. Allele origin: germline. Affected: yes. Study: VKGL Data-share Consensus. Not counted in ClinVar's aggregate classification.

Laboratory of Diagnostic Genome Analysis, Leiden University Medical Center (LUMC)
Classification: Likely benign. Review status: no assertion criteria provided. Collection method: clinical testing. Allele origin: germline. Affected: yes. Study: VKGL Data-share Consensus. Not counted in ClinVar's aggregate classification.

Literature cited by the submitters: PubMed 20544924 (cited by Athena Diagnostics); PubMed 14678801 (cited by Athena Diagnostics); PubMed 19528035 (cited by Athena Diagnostics); PubMed 16010686 (cited by Athena Diagnostics).